The following is an entry in ClinVar:

ClinVar aggregate classification (germline): Likely pathogenic. Review status: criteria provided, multiple submitters, no conflicts (2 of 4 stars). 6 submissions from 6 submitters: Likely pathogenic (4). 2 of the submissions do not count toward it. Last evaluated 2025-07-22.

Conditions:
Canavan Disease, Familial Form. Identifiers: MedGen C0751663.
Spongy degeneration of central nervous system. Also called: Canavan disease; Von Bogaert-Bertrand disease; ACY2 DEFICIENCY; AMINOACYLASE 2 DEFICIENCY; ASP DEFICIENCY; ASPA DEFICIENCY. Identifiers: Orphanet 141, MedGen C0206307, MONDO:0010079, OMIM 271900.

Allele frequency attached by ClinVar (database versions not stated): TOPMed below 0.00001; gnomAD 0.00001; gnomAD exomes 0.00002; ExAC 0.00003.
gnomAD v4.1: 13 of 1,586,074 alleles (0.00082%); highest among the groups gnomAD compares: Non-Finnish European, 0.001%; no homozygotes.

Submissions (6):

Natera, Inc.
Classification: Likely pathogenic for Canavan Disease. Last evaluated: 2025-07-22. Review status: criteria provided, single submitter. Criteria: Natera Variant Classification Schema (03/2026). Collection method: clinical testing. Allele origin: germline.
Comment: The c.432G>A variant in ASPA is a synonymous variant that does not alter the encoded amino acid at position 144 (p.K144=). This variant is rare in the general population with a frequency below the threshold expected for the associated phenotype(s). This variant has been observed in one or more individuals affected with the associated recessive disease, as either homozygous or compound heterozygous with a second variant (PMID: 21907889, 37597066, 28101991). This variant has been identified in one or more affected individuals with a phenotype highly consistent with the associated gene (PMID:21907889). Computational prediction algorithms indicate this variant is likely to affect gene or protein function. Given the available evidence, this variant is classified as Likely Pathogenic.

Women's Health and Genetics/Laboratory Corporation of America, LabCorp
Classification: Likely pathogenic for Canavan Disease, Familial Form. Last evaluated: 2025-06-09. Review status: criteria provided, single submitter. Criteria: LabCorp Variant Classification Summary - May 2015. Collection method: clinical testing. Allele origin: germline.
Comment: Variant summary: ASPA c.432G>A (p.Lys144Lys) alters a conserved nucleotide located close to a canonical splice site and therefore could affect mRNA splicing, leading to a significantly altered protein sequence. Several computational tools predict a significant impact on normal splicing: One predicts the variant abolishes a 5 splicing donor site. Two predict the variant weakens a 5' donor site. However, these predictions have yet to be confirmed by functional studies. The variant allele was found at a frequency of 2.2e-05 in 232326 control chromosomes (gnomAD). c.432G>A has been reported in the literature in individuals affected with Canavan Disease (examples: Schober_2011, Mendes_2017, Ashrafi_2023), although one of the reported cases was mild, and to explain the atypical phenotype, authors proposed a leaky splice effect for the variant, but provided no mRNA studies to confirm this hypothesis (Mendes_2017). These data indicate that the variant is likely to be associated with disease. To our knowledge, no experimental evidence demonstrating an impact on protein function has been reported. The following publications have been ascertained in the context of this evaluation (PMID: 28101991, 21907889, 37597066). ClinVar contains an entry for this variant (Variation ID: 554976). Based on the evidence outlined above, the variant was classified as likely pathogenic.

Fulgent Genetics
Classification: Likely pathogenic for Spongy degeneration of central nervous system. Last evaluated: 2024-04-25. Review status: criteria provided, single submitter. Criteria: ACMG Guidelines, 2015. Collection method: clinical testing. Allele origin: germline.

Labcorp Genetics (formerly Invitae), Labcorp
Classification: Likely pathogenic for Spongy degeneration of central nervous system. Last evaluated: 2023-09-08. Review status: criteria provided, single submitter. Criteria: Invitae Variant Classification Sherloc (09022015). Collection method: clinical testing. Allele origin: germline.
Comment: In summary, the currently available evidence indicates that the variant is pathogenic, but additional data are needed to prove that conclusively. Therefore, this variant has been classified as Likely Pathogenic. This variant has been observed in individual(s) with Canavan disease (PMID: 21907889, 28101991). In at least one individual the data is consistent with being in trans (on the opposite chromosome) from a pathogenic variant. ClinVar contains an entry for this variant (Variation ID: 554976). Variants that disrupt the consensus splice site are a relatively common cause of aberrant splicing (PMID: 17576681, 9536098). Algorithms developed to predict the effect of sequence changes on RNA splicing suggest that this variant may disrupt the consensus splice site. This sequence change affects codon 144 of the ASPA mRNA. It is a 'silent' change, meaning that it does not change the encoded amino acid sequence of the ASPA protein. This variant also falls at the last nucleotide of exon 2, which is part of the consensus splice site for this exon. This variant is present in population databases (rs754087904, gnomAD 0.004%).

Counsyl
Classification: Uncertain significance for Spongy degeneration of central nervous system. Last evaluated: 2017-11-09. Review status: no assertion criteria provided. Collection method: clinical testing. Allele origin: unknown. Not counted in ClinVar's aggregate classification.

Myelin Disorders Clinic-Children's Medical Center/Medical Genetics Lab-Tarbiat Modares University, Children's Medical Center, Pediatrics Center of Excellence,
Classification: Uncertain significance for Spongy degeneration of central nervous system. Review status: no assertion criteria provided. Collection method: clinical testing. Allele origin: inherited. Inheritance: Autosomal recessive inheritance. Affected: yes. Not counted in ClinVar's aggregate classification.

Literature cited by the submitters: PubMed 21907889 (cited by 4 submitters); PubMed 37597066 (cited by Natera, Inc. and Women's Health and Genetics/Laboratory Corporation of America, LabCorp); PubMed 28101991 (cited by 4 submitters); PubMed 17576681 (cited by Labcorp Genetics (formerly Invitae), Labcorp); PubMed 9536098 (cited by Labcorp Genetics (formerly Invitae), Labcorp).

NM_000049.4(ASPA):c.432G>A (p.Lys144=)

Genes: SPATA22 (spermatogenesis associated 22; minus strand), ASPA (aspartoacylase; plus strand). Cytogenetic location: 17p13.2.
Variant type: single nucleotide variant.
Coding change: c.432G>A on transcript NM_000049.4 (MANE Select); coding-DNA position 432, G replaced by A.
Protein change: p.Lys144=; no amino-acid change (lysine 144 retained).
Molecular consequence: synonymous variant. On other transcripts: intron variant (2).
Genome position (GRCh38, 1-based): chr17:3,481,798, G>A. VCF-style: chr17-3481798-G-A. GRCh37 (hg19) VCF-style: chr17-3385092-G-A.
Other names: K144K; c.432G>A, p.Lys144= (NM_001128085.1); c.-73-12400C>T (NM_001321336.2, NM_001321337.2).
Identifiers: ClinVar variation 554976 (VCV000554976.17), dbSNP rs754087904, ClinGen allele CA8288918.